The following is an entry in ClinVar:

NM_001363.5(DKC1):c.1027A>G (p.Ile343Val)

Gene: DKC1 (dyskerin pseudouridine synthase 1; plus strand). Cytogenetic location: Xq28.
Variant type: single nucleotide variant.
Coding change: c.1027A>G on transcript NM_001363.5 (MANE Select); coding-DNA position 1027, A replaced by G.
Protein change: p.Ile343Val; replaces isoleucine 343 with valine.
Molecular consequence: missense variant. On other transcripts: non-coding transcript variant (3).
Genome position (GRCh38, 1-based): chrX:154,770,870, A>G. VCF-style: chrX-154770870-A-G. GRCh37 (hg19) VCF-style: chrX-153999145-A-G.
Other names: c.1027A>G, p.Ile343Val (NM_001142463.3, NM_001288747.2); short protein forms I343V.
Identifiers: ClinVar variation 1378810 (VCV001378810.7), dbSNP rs958540765, ClinGen allele CA337310903.

ClinVar aggregate classification (germline): Uncertain significance (1 of 4 stars; one submission).

Conditions:
Dyskeratosis congenita. Identifiers: Orphanet 1775, MedGen C0265965, MONDO:0015780.

Allele frequency attached by ClinVar (database versions not stated): gnomAD exomes below 0.00001; TOPMed 0.00001.
gnomAD v4.1: 4 of 1,211,238 alleles (0.00033%); highest among the groups gnomAD compares: Non-Finnish European, 0.00034%; no homozygotes.

Submission:

Labcorp Genetics (formerly Invitae), Labcorp
Classification: Uncertain significance for Dyskeratosis congenita. Last evaluated: 2024-02-08. Review status: criteria provided, single submitter. Criteria: Invitae Variant Classification Sherloc (09022015). Collection method: clinical testing. Allele origin: germline.
Comment: This sequence change replaces isoleucine, which is neutral and non-polar, with valine, which is neutral and non-polar, at codon 343 of the DKC1 protein (p.Ile343Val). This variant is not present in population databases (gnomAD no frequency). This variant has not been reported in the literature in individuals affected with DKC1-related conditions. ClinVar contains an entry for this variant (Variation ID: 1378810). Advanced modeling of protein sequence and biophysical properties (such as structural, functional, and spatial information, amino acid conservation, physicochemical variation, residue mobility, and thermodynamic stability) performed at Invitae indicates that this missense variant is not expected to disrupt DKC1 protein function with a negative predictive value of 80%. In summary, the available evidence is currently insufficient to determine the role of this variant in disease. Therefore, it has been classified as a Variant of Uncertain Significance.